The following is an entry in ClinVar:

ClinVar aggregate classification (germline): Conflicting classifications of pathogenicity. Review status: criteria provided, conflicting classifications (1 of 4 stars). 2 submissions from 2 submitters: Uncertain significance (1); Likely benign (1). Last evaluated 2024-10-24.

Conditions:
Neurodevelopmental disorder with hypotonia, stereotypic hand movements, and impaired language. Also called: Intellectual disability, autosomal dominant 20. Identifiers: Orphanet 228384, Orphanet 664410, MedGen C3150700, MONDO:0013266, OMIM 613443.

gnomAD v4.1: 2 of 1,612,164 alleles (0.00012%); highest among the groups gnomAD compares: Non-Finnish European, 0.00017%; no homozygotes.

Submissions (2):

Labcorp Genetics (formerly Invitae), Labcorp
Classification: Likely benign for Neurodevelopmental disorder with hypotonia, stereotypic hand movements, and impaired language. Last evaluated: 2024-10-24. Review status: criteria provided, single submitter. Criteria: Invitae Variant Classification Sherloc (09022015). Collection method: clinical testing. Allele origin: germline.

CeGaT Center for Human Genetics Tuebingen
Classification: Uncertain significance. Last evaluated: 2024-08-01. Review status: criteria provided, single submitter. Criteria: CeGaT Center For Human Genetics Tuebingen Variant Classification Criteria Version 2. Collection method: clinical testing. Allele origin: germline. Affected: yes. Observed: 1 variant allele.
Comment: MEF2C: PM2, PP2

NM_002397.5(MEF2C):c.1138C>G (p.Leu380Val)

Gene: MEF2C (myocyte enhancer factor 2C; minus strand). Cytogenetic location: 5q14.3.
Variant type: single nucleotide variant.
Coding change: c.1138C>G on transcript NM_002397.5 (MANE Select); coding-DNA position 1138, C replaced by G.
Protein change: p.Leu380Val; replaces leucine 380 with valine.
Molecular consequence: missense variant. On other transcripts: intron variant (24).
Genome position (GRCh38, 1-based): chr5:88,722,888, G>C on the plus strand (C>G on the coding strand, the complement: MEF2C is on the minus strand). VCF-style: chr5-88722888-G-C. GRCh37 (hg19) VCF-style: chr5-88018705-G-C.
Other names: c.760C>G, p.Leu254Val (NM_001364353.2); c.1101-59C>G (NM_001364334.2, NM_001364335.2, NM_001364337.2 and 2 more transcripts); c.1101-61C>G (NM_001364345.2, NM_001364347.2, NM_001364346.2); c.957-61C>G (NM_001364354.2, NM_001364355.2); c.957-59C>G (NM_001364332.2, NM_001193349.3); c.1071-61C>G (NM_001364352.2); c.1071-59C>G (NM_001364343.2); c.1131-59C>G (NM_001364338.2); and 10 more; short protein forms L254V, L324V, L332V, L370V, L372V, L380V, L390V.
Identifiers: ClinVar variation 3341923 (VCV003341923.18).